The following is an entry in ClinVar:

NM_000261.2(MYOC):c.1110G>A (p.Pro370=)

Gene: MYOC (myocilin; minus strand). Cytogenetic location: 1q24.3.
Variant type: single nucleotide variant.
Coding change: c.1110G>A on transcript NM_000261.2 (MANE Select); coding-DNA position 1110, G replaced by A.
Protein change: p.Pro370=; no amino-acid change (proline 370 retained).
Molecular consequence: synonymous variant.
Genome position (GRCh38, 1-based): chr1:171,636,330, C>T on the plus strand (G>A on the coding strand, the complement: MYOC is on the minus strand). VCF-style: chr1-171636330-C-T. GRCh37 (hg19) VCF-style: chr1-171605470-C-T.
Other names: NM_000261.2:c.1110G>A; c.1110G>A (NM_000261.1).
Identifiers: ClinVar variation 2505291 (VCV002505291.4), dbSNP rs149881467, ClinGen allele CA1244078.
Genomic context (GRCh38, chr1:171,636,330, plus strand): 5'-GACCCAGAGGCCTGCTTCATCCACAGCCAAGTCAATGTCCGTGTAGCCACCCCAAGAATA[C>T]GGGAACTGTCCGTGGTAGCCAGCTCCAGGGATTTCCTTCTCAGCCTTCACTGTCTCGGTA-3'
Protein context (NP_000252.1, residues 360-380): IPGAGYHGQF[Pro370=]YSWGGYTDID

ClinVar aggregate classification (germline): Likely benign. Review status: reviewed by expert panel (3 of 4 stars). 2 submissions from 2 submitters: Likely benign (1). 1 of the submissions does not count toward it. Last evaluated 2026-02-04.

Conditions:
Open-angle glaucoma. Identifiers: MedGen C0017612, MONDO:0005338, HP:0012108.
MYOC-related disorder. Also called: MYOC-related disorders; MYOC-related condition. Identifiers: MedGen CN239330.

Allele frequency attached by ClinVar (database versions not stated): ExAC 0.00004; gnomAD 0.00005; ESP Exome Variant Server 0.00008; 1000 Genomes Project 30x 0.00016; 1000 Genomes Project 0.00020.
gnomAD v4.1: 45 of 1,614,022 alleles (0.0028%); highest among the groups gnomAD compares: East Asian, 0.031%; no homozygotes.

Submissions (2):

ClinGen Glaucoma Variant Curation Expert Panel
Classification: Likely benign for Open-angle glaucoma. Last evaluated: 2026-02-04. Review status: reviewed by expert panel. Criteria: ClinGen Glaucoma ACMG Specifications V2.0.0 Approved. Collection method: curation. Allele origin: germline. Inheritance: Autosomal dominant inheritance.
Comment: The c.1110G>A variant in MYOC is a synonymous variant (p.Pro370=). The highest minor allele frequency of this variant was in the East Asian genetic ancestry group of gnomAD (v4.1.0) = 0.0003119 (14 alleles out of 44,880), which did not meet the PM2_Supporting allele frequency threshold (≤ 0.0001) or the BS1 allele frequency threshold (≥ 0.001). The SpliceAI score = 0, which met the ≤ 0.1 threshold for BP4, suggesting that the variant does not impact MYOC function. This synonymous variant meets BP4, so BP7 is met. There was no functional evidence predicting a damaging or benign impact of this variant on MYOC function. Although probands with primary open angle glaucoma have been reported carrying this variant, PM2_Supporting was not met, therefore PS4 did not apply. In summary, this variant met the criteria to receive a score of -2 and to be classified as likely benign (likely benign classification range -2 to -6, adapted from PMID: 32720330) for primary open angle glaucoma based on the ACMG/AMP criteria met, as specified by the ClinGen Glaucoma VCEP (v2.0.0, 5 Dec 2024): BP4, BP7.

PreventionGenetics, part of Exact Sciences
Classification: Likely benign for MYOC-related condition. Last evaluated: 2019-04-24. Review status: no assertion criteria provided. Collection method: clinical testing. Allele origin: germline. Not counted in ClinVar's aggregate classification.
Comment: This variant is classified as likely benign based on ACMG/AMP sequence variant interpretation guidelines (Richards et al. 2015 PMID: 25741868, with internal and published modifications).